The following is an entry in ClinVar:

NM_005585.5(SMAD6):c.525_529del (p.Thr176fs)

Gene: SMAD6 (SMAD family member 6; plus strand). Cytogenetic location: 15q22.31.
Variant type: Deletion.
Coding change: c.525_529del on transcript NM_005585.5 (MANE Select); coding-DNA positions 525 to 529, 5 bases deleted (CACGT; older notation c.525_529delCACGT).
Protein change: p.Thr176fs; shifts the reading frame from threonine 176.
Molecular consequence: frameshift variant. On other transcripts: non-coding transcript variant (1).
Genome position (GRCh38, 1-based): chr15:66,703,783-66,703,787, CACGT deleted; deleting any 5 consecutive bases within chr15:66,703,780-66,703,787 gives the same sequence; the c. name uses the placement nearest the transcript's 3' end. VCF-style (leftmost placement, unchanged base first): chr15-66703779-CCGTCA-C. GRCh37 (hg19) VCF-style: chr15-66996117-CCGTCA-C.
Other names: short protein forms T176fs.
Identifiers: ClinVar variation 5005447 (VCV005005447.2).
Genomic context (GRCh38, chr15:66,703,779, plus strand): 5'-GCGGCGGGCGGAGTCGCGAAGCGCGCTCGCGGCTGCTGCTGCTGGAGCAGGAACTCAAAA[CCGTCA>C]CGTACTCGCTGCTGAAGCGGCTCAAGGAGCGCTCGCTGGACACGCTGCTGGAGGCGGTGG-3'

ClinVar aggregate classification (germline): Uncertain significance (1 of 4 stars; one submission).

Conditions:
Craniosynostosis 7 (CRS7). Also called: CRANIOSYNOSTOSIS 7, DIGENIC; CRS7, DIGENIC. Identifiers: MedGen C4479496, MONDO:0044315, OMIM 617439.
Radioulnar synostosis, nonsyndromic, susceptibility to. Identifiers: MedGen C5241445, MONDO:0100183, OMIM 179300.
Aortic valve disease 2 (AOVD2). Identifiers: MedGen C3542024, MONDO:0013902, OMIM 614823.

Submission:

Juno Genomics, Hangzhou Juno Genomics, Inc
Classification: Uncertain significance for Craniosynostosis 7; Radioulnar synostosis, nonsyndromic, susceptibility to; Aortic valve disease 2. Review status: criteria provided, single submitter. Criteria: ACMG Guidelines, 2015. Collection method: clinical testing. Allele origin: germline.
Comment: Absent from controls (or at extremely low frequency if recessive) in Genome Aggregation Database.;Null variant in a gene where loss of function (LOF) is a known mechanism of disease.